The following is an entry in ClinVar:

ClinVar aggregate classification (germline): Uncertain significance (1 of 4 stars; one submission).

Conditions:
Joubert syndrome. Also called: CEREBELLOPARENCHYMAL DISORDER IV; JOUBERT-BOLTSHAUSER SYNDROME; Familial aplasia of the vermis. Identifiers: Orphanet 475, MedGen C5979921, MONDO:0018772.
Meckel-Gruber syndrome. Also called: DYSENCEPHALIA SPLANCHNOCYSTICA; GRUBER SYNDROME; Dysencephalia splachnocystica. Identifiers: Orphanet 564, MedGen C0265215, MONDO:0018921.

Allele frequency attached by ClinVar (database versions not stated): gnomAD exomes 0.00002.

Submission:

Labcorp Genetics (formerly Invitae), Labcorp
Classification: Uncertain significance for Joubert syndrome; Meckel-Gruber syndrome. Last evaluated: 2023-10-25. Review status: criteria provided, single submitter. Criteria: Invitae Variant Classification Sherloc (09022015). Collection method: clinical testing. Allele origin: germline.
Comment: This sequence change replaces glycine, which is neutral and non-polar, with arginine, which is basic and polar, at codon 165 of the B9D1 protein (p.Gly165Arg). This variant is not present in population databases (gnomAD no frequency). This missense change has been observed in individual(s) with clinical features of B9D1-related conditions (Invitae). An algorithm developed to predict the effect of missense changes on protein structure and function (PolyPhen-2) suggests that this variant is likely to be disruptive. In summary, the available evidence is currently insufficient to determine the role of this variant in disease. Therefore, it has been classified as a Variant of Uncertain Significance.

NM_015681.6(B9D1):c.493G>C (p.Gly165Arg)

Gene: B9D1 (B9 domain containing 1; minus strand). Cytogenetic location: 17p11.2.
Variant type: single nucleotide variant.
Coding change: c.493G>C on transcript NM_015681.6 (MANE Select); coding-DNA position 493, G replaced by C.
Protein change: p.Gly165Arg; replaces glycine 165 with arginine.
Molecular consequence: missense variant. On other transcripts: 3 prime UTR variant (2), intron variant (4).
Genome position (GRCh38, 1-based): chr17:19,343,441, C>G on the plus strand (G>C on the coding strand, the complement: B9D1 is on the minus strand). VCF-style: chr17-19343441-C-G. GRCh37 (hg19) VCF-style: chr17-19246754-C-G.
Other names: c.*18G>C (NM_001321214.2); c.*269G>C (NM_001321215.3); c.112+349G>C (NM_001368769.2); c.404+3828G>C (NM_001321219.2); c.472+349G>C (NM_001321218.2, NM_001321217.2); short protein forms G165R.
Identifiers: ClinVar variation 2922795 (VCV002922795.3), dbSNP rs1057522520, ClinGen allele CA398692419.
Genomic context (GRCh38, chr17:19,343,441, plus strand): 5'-TGTCATAGCCCAGTTTCCTCATGTCCTTGGTCACCACGTTGAAGAGGAGGGTGACAAAGC[C>G]CTGAGAACGGACACGGGTCACTGGGGACAGAAGGGCAGCATCAGCCAGGCTGGGCTGGGG-3'
Protein context (NP_056496.1, residues 155-175): GREVTRVRSQ[Gly165Arg]FVTLLFNVVT